The following is an entry in ClinVar:

ClinVar aggregate classification (germline): Uncertain significance (1 of 4 stars; one submission).

Conditions:
Beckwith-Wiedemann syndrome (BWS). Also called: Exomphalos macroglossia gigantism syndrome; EMG SYNDROME. Identifiers: Orphanet 116, MedGen C0004903, MONDO:0007534, OMIM 130650.

Allele frequency attached by ClinVar (database versions not stated): gnomAD exomes below 0.00001.

Submission:

Labcorp Genetics (formerly Invitae), Labcorp
Classification: Uncertain significance for Beckwith-Wiedemann syndrome. Last evaluated: 2023-09-19. Review status: criteria provided, single submitter. Criteria: Invitae Variant Classification Sherloc (09022015). Collection method: clinical testing. Allele origin: germline.
Comment: In summary, the available evidence is currently insufficient to determine the role of this variant in disease. Therefore, it has been classified as a Variant of Uncertain Significance. This variant is present in population databases (no rsID available, gnomAD 0.005%). This variant has not been reported in the literature in individuals affected with CDKN1C-related conditions. Advanced modeling of protein sequence and biophysical properties (such as structural, functional, and spatial information, amino acid conservation, physicochemical variation, residue mobility, and thermodynamic stability) performed at Invitae indicates that this missense variant is not expected to disrupt CDKN1C protein function. This sequence change replaces alanine, which is neutral and non-polar, with valine, which is neutral and non-polar, at codon 112 of the CDKN1C protein (p.Ala112Val).

NM_001122630.2(CDKN1C):c.302C>T (p.Ala101Val)

Gene: CDKN1C (cyclin dependent kinase inhibitor 1C; minus strand). Cytogenetic location: 11p15.4.
Variant type: single nucleotide variant.
Coding change: c.302C>T on transcript NM_001122630.2 (MANE Select); coding-DNA position 302, C replaced by T.
Protein change: p.Ala101Val; replaces alanine 101 with valine.
Molecular consequence: missense variant. On other transcripts: intron variant (1).
Genome position (GRCh38, 1-based): chr11:2,885,155, G>A on the plus strand (C>T on the coding strand, the complement: CDKN1C is on the minus strand). VCF-style: chr11-2885155-G-A. GRCh37 (hg19) VCF-style: chr11-2906385-G-A.
Other names: c.335C>T, p.Ala112Val (NM_000076.2, NM_001362474.2); c.302C>T, p.Ala101Val (NM_001122631.2); c.255+47C>T (NM_001362475.2); short protein forms A101V, A112V.
Identifiers: ClinVar variation 2968828 (VCV002968828.3), dbSNP rs1176153874, ClinGen allele CA379146908.